The following is an entry in ClinVar:

ClinVar aggregate classification (germline): Uncertain significance. Review status: criteria provided, multiple submitters, no conflicts (2 of 4 stars). 2 submissions from 2 submitters: Uncertain significance (2). Last evaluated 2022-12-27.

Allele frequency attached by ClinVar (database versions not stated): gnomAD exomes below 0.00001; gnomAD 0.00001.

Submissions (2):

Labcorp Genetics (formerly Invitae), Labcorp
Classification: Uncertain significance. Last evaluated: 2022-12-27. Review status: criteria provided, single submitter. Criteria: Invitae Variant Classification Sherloc (09022015). Collection method: clinical testing. Allele origin: germline.
Comment: In summary, the available evidence is currently insufficient to determine the role of this variant in disease. Therefore, it has been classified as a Variant of Uncertain Significance. Advanced modeling of protein sequence and biophysical properties (such as structural, functional, and spatial information, amino acid conservation, physicochemical variation, residue mobility, and thermodynamic stability) performed at Invitae indicates that this missense variant is not expected to disrupt NYX protein function. ClinVar contains an entry for this variant (Variation ID: 1435375). This variant has not been reported in the literature in individuals affected with NYX-related conditions. This variant is not present in population databases (gnomAD no frequency). This sequence change replaces arginine, which is basic and polar, with serine, which is neutral and polar, at codon 207 of the NYX protein (p.Arg207Ser).

Blueprint Genetics
Classification: Uncertain significance. Last evaluated: 2019-09-23. Review status: criteria provided, single submitter. Criteria: ACMG Guidelines, 2015. Collection method: clinical testing. Allele origin: germline.

NM_001378477.3(NYX):c.604C>A (p.Arg202Ser)

Gene: NYX (nyctalopin; plus strand). Cytogenetic location: Xp11.4.
Variant type: single nucleotide variant.
Coding change: c.604C>A on transcript NM_001378477.3 (MANE Select); coding-DNA position 604, C replaced by A.
Protein change: p.Arg202Ser; replaces arginine 202 with serine.
Molecular consequence: missense variant.
Genome position (GRCh38, 1-based): chrX:41,474,072, C>A. VCF-style: chrX-41474072-C-A. GRCh37 (hg19) VCF-style: chrX-41333325-C-A.
Other names: c.604C>A, p.Arg202Ser (NM_022567.3); short protein forms R202S.
Identifiers: ClinVar variation 1435375 (VCV001435375.9), dbSNP rs2064376579, ClinGen allele CA412990892.